The following is an entry in ClinVar:

ClinVar aggregate classification (germline): Uncertain significance (1 of 4 stars; one submission).

Submission:

Women's Health and Genetics/Laboratory Corporation of America, LabCorp
Classification: Uncertain significance. Last evaluated: 2025-10-07. Review status: criteria provided, single submitter. Criteria: LabCorp Variant Classification Summary - May 2015. Collection method: clinical testing. Allele origin: germline.
Comment: Variant summary: SLC33A1 c.1406G>C (p.Trp469Ser) results in a non-conservative amino acid change in the encoded protein sequence. Algorithms developed to predict the effect of missense changes on protein structure and function are either unavailable or do not agree on the potential impact of this missense change. The variant was absent in 251482 control chromosomes. The available data on variant occurrences in the general population are insufficient to allow any conclusion about variant significance. To our knowledge, no occurrence of c.1406G>C in individuals affected with SLC33A1-related conditions and no experimental evidence demonstrating its impact on protein function have been reported. No submitters have cited clinical-significance assessments for this variant to ClinVar. Based on the evidence outlined above, the variant was classified as uncertain significance.

NM_004733.4(SLC33A1):c.1406G>C (p.Trp469Ser)

Gene: SLC33A1 (solute carrier family 33 member 1; minus strand). Cytogenetic location: 3q25.31.
Variant type: single nucleotide variant.
Coding change: c.1406G>C on transcript NM_004733.4 (MANE Select); coding-DNA position 1406, G replaced by C.
Protein change: p.Trp469Ser; replaces tryptophan 469 with serine.
Molecular consequence: missense variant.
Genome position (GRCh38, 1-based): chr3:155,829,764, C>G on the plus strand (G>C on the coding strand, the complement: SLC33A1 is on the minus strand). VCF-style: chr3-155829764-C-G. GRCh37 (hg19) VCF-style: chr3-155547553-C-G.
Other names: c.1406G>C, p.Trp469Ser (NM_001190992.2); c.1100G>C, p.Trp367Ser (NM_001363883.1); short protein forms W367S, W469S.
Identifiers: ClinVar variation 4687505 (VCV004687505.1).